The following is an entry in ClinVar:

ClinVar aggregate classification (germline): Pathogenic (1 of 4 stars; one submission).

Conditions:
Glucose-6-phosphate transport defect (GSD1B). Also called: Glycogen Storage Disease Type Ib; GSD Ib. Identifiers: Orphanet 364, Orphanet 79259, MedGen C0268146, MONDO:0009288, OMIM 232220.

Submission:

Labcorp Genetics (formerly Invitae), Labcorp
Classification: Pathogenic for Glucose-6-phosphate transport defect. Last evaluated: 2022-02-03. Review status: criteria provided, single submitter. Criteria: Invitae Variant Classification Sherloc (09022015). Collection method: clinical testing. Allele origin: germline.
Comment: This sequence change creates a premature translational stop signal (p.Val320*) in the SLC37A4 gene. It is expected to result in an absent or disrupted protein product. Loss-of-function variants in SLC37A4 are known to be pathogenic (PMID: 9758626, 10940311). For these reasons, this variant has been classified as Pathogenic. ClinVar contains an entry for this variant (Variation ID: 963100). This variant has not been reported in the literature in individuals affected with SLC37A4-related conditions. This variant is not present in population databases (gnomAD no frequency).

Literature cited by the submitters: PubMed 9758626; PubMed 10940311.

NM_001164277.2(SLC37A4):c.958del (p.Arg319_Val320insTer)

Gene: SLC37A4 (solute carrier family 37 member 4; minus strand). Cytogenetic location: 11q23.3.
Variant type: Deletion.
Coding change: c.958del on transcript NM_001164277.2 (MANE Select); coding-DNA position 958, one base deleted (G; older notation c.958delG).
Protein change: p.Arg319_Val320insTer.
Molecular consequence: nonsense.
Genome position (GRCh38, 1-based): chr11:119,025,993, C deleted on the plus strand (G on the coding strand, the reverse complement: SLC37A4 is on the minus strand); the first of 3 consecutive C bases (chr11:119,025,993-119,025,995); deleting any one gives the same sequence. VCF-style (leftmost placement, unchanged base first): chr11-119025992-AC-A. GRCh37 (hg19) VCF-style: chr11-118896702-AC-A.
Other names: c.958del, p.Arg319_Val320insTer (NM_001164278.2, NM_001164280.2, NM_001467.6); c.739del, p.Arg246_Val247insTer (NM_001164279.2).
Identifiers: ClinVar variation 963100 (VCV000963100.7), dbSNP rs1943554955, ClinGen allele CA1139662375.